The following is an entry in ClinVar:

NM_001276270.2(MBD4):c.562G>C (p.Val188Leu)

Gene: MBD4 (methyl-CpG binding domain 4, DNA glycosylase; minus strand). Cytogenetic location: 3q21.3.
Variant type: single nucleotide variant.
Coding change: c.562G>C on transcript NM_001276270.2 (MANE Select); coding-DNA position 562, G replaced by C.
Protein change: p.Val188Leu; replaces valine 188 with leucine.
Molecular consequence: missense variant. On other transcripts: intron variant (1).
Genome position (GRCh38, 1-based): chr3:129,437,082, C>G on the plus strand (G>C on the coding strand, the complement: MBD4 is on the minus strand). VCF-style: chr3-129437082-C-G. GRCh37 (hg19) VCF-style: chr3-129155925-C-G.
Other names: c.562G>C, p.Val188Leu (NM_001276271.2, NM_001276272.2, NM_003925.3); c.247+726G>C (NM_001276273.2); short protein forms V188L.
Identifiers: ClinVar variation 4104672 (VCV004104672.1).

ClinVar aggregate classification (germline): Uncertain significance (1 of 4 stars; one submission).

Conditions:
Inborn genetic diseases. Identifiers: MedGen C0950123, MeSH D030342.

Submission:

Ambry Genetics
Classification: Uncertain significance for Inborn genetic diseases. Last evaluated: 2025-09-01. Review status: criteria provided, single submitter. Criteria: Ambry Variant Classification Scheme 2023. Collection method: clinical testing. Allele origin: germline.
Comment: The p.V188L variant (also known as c.562G>C), located in coding exon 3 of the MBD4 gene, results from a G to C substitution at nucleotide position 562. The valine at codon 188 is replaced by leucine, an amino acid with highly similar properties. This amino acid position is conserved. In addition, this alteration is predicted to be tolerated by in silico analysis. Based on the available evidence, the clinical significance of this variant remains unclear.